The following is an entry in ClinVar:

ClinVar aggregate classification (germline): Uncertain significance (1 of 4 stars; one submission).

Submission:

Labcorp Genetics (formerly Invitae), Labcorp
Classification: Uncertain significance. Last evaluated: 2025-04-11. Review status: criteria provided, single submitter. Criteria: Invitae Variant Classification Sherloc (09022015). Collection method: clinical testing. Allele origin: germline.
Comment: This sequence change replaces glycine, which is neutral and non-polar, with arginine, which is basic and polar, at codon 202 of the COL9A3 protein (p.Gly202Arg). This variant is not present in population databases (gnomAD no frequency). This variant has not been reported in the literature in individuals affected with COL9A3-related conditions. Invitae Evidence Modeling of protein sequence and biophysical properties (such as structural, functional, and spatial information, amino acid conservation, physicochemical variation, residue mobility, and thermodynamic stability) indicates that this missense variant is expected to disrupt COL9A3 protein function with a positive predictive value of 95%. In summary, the available evidence is currently insufficient to determine the role of this variant in disease. Therefore, it has been classified as a Variant of Uncertain Significance.

NM_001853.4(COL9A3):c.604G>C (p.Gly202Arg)

Gene: COL9A3 (collagen type IX alpha 3 chain; plus strand). Cytogenetic location: 20q13.33.
Variant type: single nucleotide variant.
Coding change: c.604G>C on transcript NM_001853.4 (MANE Select); coding-DNA position 604, G replaced by C.
Protein change: p.Gly202Arg; replaces glycine 202 with arginine.
Molecular consequence: missense variant.
Genome position (GRCh38, 1-based): chr20:62,824,995, G>C. VCF-style: chr20-62824995-G-C. GRCh37 (hg19) VCF-style: chr20-61456347-G-C.
Other names: short protein forms G202R.
Identifiers: ClinVar variation 4803132 (VCV004803132.1).